The following is an entry in ClinVar:

NM_001378454.1(ALMS1):c.4838del (p.Gly1613fs)

Gene: ALMS1 (ALMS1 centrosome and basal body associated protein; plus strand). Cytogenetic location: 2p13.1.
Variant type: Deletion.
Coding change: c.4838del on transcript NM_001378454.1 (MANE Select); coding-DNA position 4838, one base deleted (G; older notation c.4838delG).
Protein change: p.Gly1613fs; shifts the reading frame from glycine 1613.
Molecular consequence: frameshift variant.
Genome position (GRCh38, 1-based): chr2:73,451,365, G deleted; the last of 2 consecutive G bases (chr2:73,451,364-73,451,365); deleting either gives the same sequence. VCF-style (leftmost placement, unchanged base first): chr2-73451363-AG-A. GRCh37 (hg19) VCF-style: chr2-73678490-AG-A.
Other names: c.4841del, p.Gly1614fs (NM_015120.4); short protein forms G1613fs, G1614fs.
Identifiers: ClinVar variation 2585585 (VCV002585585.1), dbSNP rs2466102995, ClinGen allele CA2582342401.

ClinVar aggregate classification (germline): Likely pathogenic (1 of 4 stars; one submission).

Conditions:
Alstrom syndrome (ALMS). Identifiers: Orphanet 64, MedGen C0268425, MONDO:0008763, OMIM 203800.

Submission:

Neuberg Centre For Genomic Medicine, NCGM
Classification: Likely pathogenic for Alstrom syndrome. Review status: criteria provided, single submitter. Criteria: ACMG Guidelines, 2015. Collection method: clinical testing. Allele origin: germline. Inheritance: Autosomal recessive inheritance. Affected: yes.
Comment: The frameshift variant c.4838del (p.Pro1613LeufsTer2) in ALMS1 gene has not been reported previously as a pathogenic variant nor as a benign variant, to our knowledge. The p.Pro1613LeufsTer2 variant is novel (not in any individuals) in gnomAD Exomes and is novel (not in any individuals) in 1000 Genomes. This variant is predicted to cause loss of normal protein function through protein truncation. Loss of function variants have been previously reported to be disease causing. For these reasons, this variant has been classified as Likely Pathogenic.